The following is an entry in ClinVar:

ClinVar aggregate classification (germline): Uncertain significance (1 of 4 stars; one submission).

Conditions:
Ataxia-telangiectasia-like disorder (ATLD). Identifiers: MedGen C1858391, MONDO:0011457.

Submission:

Labcorp Genetics (formerly Invitae), Labcorp
Classification: Uncertain significance for Ataxia-telangiectasia-like disorder. Last evaluated: 2021-09-20. Review status: criteria provided, single submitter. Criteria: Invitae Variant Classification Sherloc (09022015). Collection method: clinical testing. Allele origin: germline.
Comment: This variant is an in-frame deletion of the genomic region encompassing exon 14 of the MRE11 gene. It preserves the integrity of the reading frame. This variant has not been reported in the literature in individuals with MRE11-related conditions. Experimental studies and prediction algorithms are not available or were not evaluated, and the functional significance of this variant is currently unknown. In summary, the available evidence is currently insufficient to determine the role of this variant in disease. Therefore, it has been classified as a Variant of Uncertain Significance.

NC_000011.9:g.(?_94189432)_(94189514_?)del

Gene: MRE11 (MRE11 homolog, double strand break repair nuclease; minus strand). Cytogenetic location: 11q21.
Variant type: Deletion.
Identifiers: ClinVar variation 1011187 (VCV001011187.4).